The following is an entry in ClinVar:

NM_001374259.2(IL12RB2):c.2122A>G (p.Ser708Gly)

Gene: IL12RB2 (interleukin 12 receptor subunit beta 2; plus strand). Cytogenetic location: 1p31.3.
Variant type: single nucleotide variant.
Coding change: c.2122A>G on transcript NM_001374259.2 (MANE Select); coding-DNA position 2122, A replaced by G.
Protein change: p.Ser708Gly; replaces serine 708 with glycine.
Molecular consequence: missense variant. On other transcripts: 3 prime UTR variant (3), non-coding transcript variant (2).
Genome position (GRCh38, 1-based): chr1:67,395,622, A>G. VCF-style: chr1-67395622-A-G. GRCh37 (hg19) VCF-style: chr1-67861305-A-G.
Other names: c.*42A>G (NM_001258214.1, NM_001319233.1); c.1864A>G, p.Ser622Gly (NM_001258215.1); c.*23A>G (NM_001258216.1); c.2122A>G, p.Ser708Gly (NM_001559.3); c.2122A>G (NM_001559.2); short protein forms S708G, S622G.
Identifiers: ClinVar variation 1947123 (VCV001947123.6), dbSNP rs1666295432, ClinGen allele CA340734909.

ClinVar aggregate classification (germline): Uncertain significance. Review status: criteria provided, multiple submitters, no conflicts (2 of 4 stars). 2 submissions from 2 submitters: Uncertain significance (2). Last evaluated 2025-12-08.

Allele frequency attached by ClinVar (database versions not stated): gnomAD exomes below 0.00001; TOPMed 0.00001.
gnomAD v4.1: 2 of 1,614,238 alleles (0.00012%); highest among the groups gnomAD compares: Admixed American, 0.0017%; no homozygotes.

Submissions (2):

Ambry Genetics
Classification: Uncertain significance. Last evaluated: 2025-12-08. Review status: criteria provided, single submitter. Criteria: Ambry Variant Classification Scheme 2023. Collection method: clinical testing. Allele origin: germline.

Labcorp Genetics (formerly Invitae), Labcorp
Classification: Uncertain significance. Last evaluated: 2025-07-19. Review status: criteria provided, single submitter. Criteria: Invitae Variant Classification Sherloc (09022015). Collection method: clinical testing. Allele origin: germline.
Comment: This sequence change replaces serine, which is neutral and polar, with glycine, which is neutral and non-polar, at codon 708 of the IL12RB2 protein (p.Ser708Gly). This variant is not present in population databases (gnomAD no frequency). This variant has not been reported in the literature in individuals affected with IL12RB2-related conditions. ClinVar contains an entry for this variant (Variation ID: 1947123). An algorithm developed to predict the effect of missense changes on protein structure and function (PolyPhen-2) suggests that this variant is likely to be tolerated. In summary, the available evidence is currently insufficient to determine the role of this variant in disease. Therefore, it has been classified as a Variant of Uncertain Significance.